The following is an entry in ClinVar:

NM_000383.4(AIRE):c.463+5C>T

Gene: AIRE (autoimmune regulator; plus strand). Cytogenetic location: 21q22.3.
Variant type: single nucleotide variant.
Coding change: c.463+5C>T on transcript NM_000383.4 (MANE Select); 5 bases into the intron after coding-DNA position 463, C replaced by T.
Molecular consequence: intron variant.
Genome position (GRCh38, 1-based): chr21:44,287,138, C>T. VCF-style: chr21-44287138-C-T. GRCh37 (hg19) VCF-style: chr21-45707021-C-T.
Identifiers: ClinVar variation 989633 (VCV000989633.5), dbSNP rs569224551, ClinGen allele CA1139666888.

ClinVar aggregate classification (germline): Uncertain significance. Review status: criteria provided, single submitter (1 of 4 stars). 2 submissions from 2 submitters: Uncertain significance (1). 1 of the submissions does not count toward it. Last evaluated 2025-11-13.

Conditions:
Polyglandular autoimmune syndrome, type 1 (APS1). Also called: Whitaker syndrome; Autoimmune polyendocrine syndrome type 1; AUTOIMMUNE POLYENDOCRINE SYNDROME, TYPE I, WITH OR WITHOUT REVERSIBLE METAPHYSEAL DYSPLASIA; Autoimmune polyendocrinopathy syndrome, type I; APS I; HYPOADRENOCORTICISM WITH HYPOPARATHYROIDISM AND SUPERFICIAL MONILIASIS. Identifiers: Orphanet 3453, MedGen C0085859, MONDO:0009411, OMIM 240300.

gnomAD v4.1: 1 of 1,612,038 alleles (0.000062%); no homozygotes.

Submissions (2):

Labcorp Genetics (formerly Invitae), Labcorp
Classification: Uncertain significance for Polyglandular autoimmune syndrome, type 1. Last evaluated: 2025-11-13. Review status: criteria provided, single submitter. Criteria: Invitae Variant Classification Sherloc (09022015). Collection method: clinical testing. Allele origin: germline.
Comment: This sequence change falls in intron 3 of the AIRE gene. It does not directly change the encoded amino acid sequence of the AIRE protein. It affects a nucleotide within the consensus splice site. This variant is not present in population databases (gnomAD no frequency). This variant has not been reported in the literature in individuals affected with AIRE-related conditions. ClinVar contains an entry for this variant (Variation ID: 989633). Variants that disrupt the consensus splice site are a relatively common cause of aberrant splicing (PMID: 17576681, 9536098). Algorithms developed to predict the effect of sequence changes on RNA splicing suggest that this variant is not likely to affect RNA splicing. In summary, the available evidence is currently insufficient to determine the role of this variant in disease. Therefore, it has been classified as a Variant of Uncertain Significance.

Natera, Inc.
Classification: Uncertain significance for Polyglandular autoimmune syndrome type 1. Last evaluated: 2020-04-20. Review status: no assertion criteria provided. Collection method: clinical testing. Allele origin: germline. Not counted in ClinVar's aggregate classification.

Literature cited by the submitters: PubMed 17576681 (cited by Labcorp Genetics (formerly Invitae), Labcorp); PubMed 9536098 (cited by Labcorp Genetics (formerly Invitae), Labcorp).